The following is an entry in ClinVar:

NM_005932.4(MIPEP):c.1880G>A (p.Gly627Glu)

Gene: MIPEP (mitochondrial intermediate peptidase; minus strand). Cytogenetic location: 13q12.12.
Variant type: single nucleotide variant.
Coding change: c.1880G>A on transcript NM_005932.4 (MANE Select); coding-DNA position 1880, G replaced by A.
Protein change: p.Gly627Glu; replaces glycine 627 with glutamic acid.
Molecular consequence: missense variant.
Genome position (GRCh38, 1-based): chr13:23,760,186, C>T on the plus strand (G>A on the coding strand, the complement: MIPEP is on the minus strand). VCF-style: chr13-23760186-C-T. GRCh37 (hg19) VCF-style: chr13-24334325-C-T.
Other names: c.1880G>A (NM_005932.3); short protein forms G627E.
Identifiers: ClinVar variation 2180652 (VCV002180652.5), dbSNP rs183315697, ClinGen allele CA6912796.
Genomic context (GRCh38, chr13:23,760,186, plus strand): 5'-TTCCAAACCATGGAGGCGACCGCTCTGGACATGAGGTAAGAGTAATATCTAGCACCATAC[C>T]CCACGAGGTGGCTGAATCGCAGCTGCCAGGCCTGCCAAGAACAGAGAGACACAGCACGGG-3'
Protein context (NP_005923.3, residues 617-637): AWQLRFSHLV[Gly627Glu]YGARYYSYLM

ClinVar aggregate classification (germline): Uncertain significance. Review status: criteria provided, multiple submitters, no conflicts (2 of 4 stars). 2 submissions from 2 submitters: Uncertain significance (2). Last evaluated 2024-10-26.

Conditions:
Inborn genetic diseases. Identifiers: MedGen C0950123, MeSH D030342.

Allele frequency attached by ClinVar (database versions not stated): gnomAD exomes 0.00001; ExAC 0.00002; gnomAD 0.00005; TOPMed 0.00009; 1000 Genomes Project 30x 0.00016; 1000 Genomes Project 0.00020.
gnomAD v4.1: 21 of 1,613,986 alleles (0.0013%); highest among the groups gnomAD compares: Admixed American, 0.017%; no homozygotes.

Submissions (2):

Labcorp Genetics (formerly Invitae), Labcorp
Classification: Uncertain significance. Last evaluated: 2024-10-26. Review status: criteria provided, single submitter. Criteria: Invitae Variant Classification Sherloc (09022015). Collection method: clinical testing. Allele origin: germline.
Comment: This sequence change replaces glycine, which is neutral and non-polar, with glutamic acid, which is acidic and polar, at codon 627 of the MIPEP protein (p.Gly627Glu). This variant is present in population databases (rs183315697, gnomAD 0.005%). This variant has not been reported in the literature in individuals affected with MIPEP-related conditions. ClinVar contains an entry for this variant (Variation ID: 2180652). Invitae Evidence Modeling of protein sequence and biophysical properties (such as structural, functional, and spatial information, amino acid conservation, physicochemical variation, residue mobility, and thermodynamic stability) indicates that this missense variant is expected to disrupt MIPEP protein function with a positive predictive value of 80%. In summary, the available evidence is currently insufficient to determine the role of this variant in disease. Therefore, it has been classified as a Variant of Uncertain Significance.

Ambry Genetics
Classification: Uncertain significance for Inborn genetic diseases. Last evaluated: 2023-12-18. Review status: criteria provided, single submitter. Criteria: Ambry Variant Classification Scheme 2023. Collection method: clinical testing. Allele origin: germline.